The following is an entry in ClinVar:

NM_001376.5(DYNC1H1):c.8638-255A>G

Gene: DYNC1H1 (dynein cytoplasmic 1 heavy chain 1; plus strand). Cytogenetic location: 14q32.31.
Variant type: single nucleotide variant.
Coding change: c.8638-255A>G on transcript NM_001376.5 (MANE Select); 255 bases into the intron before coding-DNA position 8638, A replaced by G.
Molecular consequence: intron variant.
Genome position (GRCh38, 1-based): chr14:102,026,319, A>G. VCF-style: chr14-102026319-A-G. GRCh37 (hg19) VCF-style: chr14-102492656-A-G.
Identifiers: ClinVar variation 668120 (VCV000668120.1), dbSNP rs4900530, ClinGen allele CA266961589.

ClinVar aggregate classification (germline): Benign (1 of 4 stars; one submission).

Allele frequency attached by ClinVar (database versions not stated): gnomAD 0.96486 and 0.96555; TOPMed 0.96748; 1000 Genomes Project 30x 0.98189; 1000 Genomes Project 0.98462.
gnomAD v4.1: 147,063 of 152,278 alleles (97%); highest among the groups gnomAD compares: East Asian, 100%; 71,044 homozygotes.

Submission:

GeneDx
Classification: Benign. Last evaluated: 2018-06-18. Review status: criteria provided, single submitter. Criteria: GeneDx Variant Classification (06012015). Collection method: clinical testing. Allele origin: germline. Affected: yes.
Comment: This variant is considered likely benign or benign based on one or more of the following criteria: it is a conservative change, it occurs at a poorly conserved position in the protein, it is predicted to be benign by multiple in silico algorithms, and/or has population frequency not consistent with disease.